The following is an entry in ClinVar:

NM_007294.4(BRCA1):c.2318C>G (p.Pro773Arg)

Gene: BRCA1 (BRCA1 DNA repair associated; minus strand). Cytogenetic location: 17q21.31.
Variant type: single nucleotide variant.
Coding change: c.2318C>G on transcript NM_007294.4 (MANE Select); coding-DNA position 2318, C replaced by G.
Protein change: p.Pro773Arg; replaces proline 773 with arginine.
Molecular consequence: missense variant. On other transcripts: intron variant (137).
Genome position (GRCh38, 1-based): chr17:43,093,213, G>C on the plus strand (C>G on the coding strand, the complement: BRCA1 is on the minus strand). VCF-style: chr17-43093213-G-C. GRCh37 (hg19) VCF-style: chr17-41245230-G-C.
Other names: c.2105C>G, p.Pro702Arg (NM_001407571.1, NM_001407915.1, NM_001407916.1 and 9 more transcripts); c.2318C>G, p.Pro773Arg (NM_001407581.1, NM_001407582.1, NM_001407583.1 and 30 more transcripts); c.2315C>G, p.Pro772Arg (NM_001407587.1, NM_001407590.1, NM_001407591.1 and 22 more transcripts); c.2240C>G, p.Pro747Arg (NM_001407654.1, NM_001407655.1, NM_001407656.1 and 4 more transcripts); c.2237C>G, p.Pro746Arg (NM_001407659.1, NM_001407660.1, NM_001407661.1 and 1 more transcripts); c.2192C>G, p.Pro731Arg (NM_001407673.1, NM_001407649.1, NM_001407670.1 and 11 more transcripts); c.2195C>G, p.Pro732Arg (NM_001407674.1, NM_001407675.1, NM_001407676.1 and 19 more transcripts); c.2177C>G, p.Pro726Arg (NM_001407692.1, NM_001407694.1, NM_001407695.1 and 29 more transcripts); and 41 more; short protein forms P646R, P661R, P685R, P702R, P746R, P770R, P662R, P705R.
Identifiers: ClinVar variation 1789512 (VCV001789512.6), dbSNP rs2053781755, ClinGen allele CA10597366.

ClinVar aggregate classification (germline): Conflicting classifications of pathogenicity. Review status: criteria provided, conflicting classifications (1 of 4 stars). 3 submissions from 3 submitters: Uncertain significance (2); Likely benign (1). Last evaluated 2026-06-19.

Conditions:
Hereditary cancer-predisposing syndrome. Also called: Neoplastic Syndromes, Hereditary; Tumor predisposition; Hereditary neoplastic syndrome; Hereditary Cancer Syndrome. Identifiers: Orphanet 140162, MedGen C0027672, MeSH D009386, MONDO:0015356.

Allele frequency attached by ClinVar (database versions not stated): gnomAD 0.00001.
gnomAD v4.1: 2 of 1,613,826 alleles (0.00012%); highest among the groups gnomAD compares: South Asian, 0.0011%; no homozygotes.

Submissions (3):

Women's Health and Genetics/Laboratory Corporation of America, LabCorp
Classification: Uncertain significance. Last evaluated: 2026-06-19. Review status: criteria provided, single submitter. Criteria: LabCorp Variant Classification Summary - May 2015. Collection method: clinical testing. Allele origin: germline.

Ambry Genetics
Classification: Uncertain significance for Hereditary cancer-predisposing syndrome. Last evaluated: 2024-06-17. Review status: criteria provided, single submitter. Criteria: Ambry Variant Classification Scheme 2023. Collection method: clinical testing. Allele origin: germline.
Comment: The p.P773R variant (also known as c.2318C>G), located in coding exon 9 of the BRCA1 gene, results from a C to G substitution at nucleotide position 2318. The proline at codon 773 is replaced by arginine, an amino acid with dissimilar properties. This amino acid position is conserved. In addition, the in silico prediction for this alteration is inconclusive. Since supporting evidence is limited at this time, the clinical significance of this alteration remains unclear.

University of Washington Department of Laboratory Medicine, University of Washington
Classification: Likely benign for Hereditary cancer-predisposing syndrome. Last evaluated: 2023-03-23. Review status: criteria provided, single submitter. Criteria: Dines et al. (Genet Med. 2020). Collection method: curation. Allele origin: germline.
Comment: Missense variant in a coldspot region where missense variants are very unlikely to be pathogenic (PMID:31911673).

BRCA1 coldspot (exon 11 using historical exon numbering). Reclassification based on statistical prior probability